The following is an entry in ClinVar:

ClinVar aggregate classification (germline): Uncertain significance. Review status: criteria provided, multiple submitters, no conflicts (2 of 4 stars). 7 submissions from 7 submitters: Uncertain significance (7). Last evaluated 2026-04-09.

Conditions:
Cardiovascular phenotype. Identifiers: MedGen CN230736.
Long QT syndrome (LQTS). Identifiers: MedGen C0023976, MeSH D008133, MONDO:0002442. Disease mechanism: loss of function. Inheritance: Various modes of inheritance.
Cardiac arrhythmia, ankyrin-B-related. Also called: ANKYRIN-B SYNDROME. Identifiers: Orphanet 101016, Orphanet 768, MedGen C1970119, MONDO:0010958, OMIM 600919.

Allele frequency attached by ClinVar (database versions not stated): TOPMed 0.00001; gnomAD 0.00002; ExAC 0.00002; gnomAD exomes 0.00001.
gnomAD v4.1: 12 of 1,613,836 alleles (0.00074%); highest among the groups gnomAD compares: Middle Eastern, 0.016%; no homozygotes.

Submissions (7):

Ambry Genetics
Classification: Uncertain significance for Cardiovascular phenotype. Last evaluated: 2026-04-09. Review status: criteria provided, single submitter. Criteria: Ambry Variant Classification Scheme 2023. Collection method: clinical testing. Allele origin: germline.
Comment: The p.T692A variant (also known as c.2074A>G), located in coding exon 18 of the ANK2 gene, results from an A to G substitution at nucleotide position 2074. The threonine at codon 692 is replaced by alanine, an amino acid with similar properties. This amino acid position is highly conserved in available vertebrate species. In addition, the in silico prediction for this alteration is inconclusive. Based on the available evidence, the clinical significance of this variant remains unclear.

Dasa
Classification: Uncertain significance. Last evaluated: 2024-11-05. Review status: criteria provided, single submitter. Criteria: DASA Assertion Criteria. Collection method: clinical testing. Allele origin: germline.
Comment: NM_001148.6(ANK2):c.2074A>G (p.Thr692Ala) is a missense variant that results in the substitution of threonine with alanine. This variant is rare in population databases. Computational prediction algorithms are consistent with a benign effect. The currently available literature and clinical evidence are not sufficient to establish a definitive association between this variant and the reported condition. Therefore, this variant is classified as a variant of uncertain significance.

GeneDx
Classification: Uncertain significance. Last evaluated: 2024-05-22. Review status: criteria provided, single submitter. Criteria: GeneDx Variant Classification Process June 2021. Collection method: clinical testing. Allele origin: germline. Affected: yes.
Comment: Has not been previously published as pathogenic or benign to our knowledge; Not observed at significant frequency in large population cohorts (gnomAD); In silico analysis supports that this missense variant has a deleterious effect on protein structure/function; This variant is associated with the following publications: (PMID: 31589614)

Labcorp Genetics (formerly Invitae), Labcorp
Classification: Uncertain significance for Long QT syndrome. Last evaluated: 2023-08-14. Review status: criteria provided, single submitter. Criteria: Invitae Variant Classification Sherloc (09022015). Collection method: clinical testing. Allele origin: germline.
Comment: This variant has not been reported in the literature in individuals affected with ANK2-related conditions. This sequence change replaces threonine, which is neutral and polar, with alanine, which is neutral and non-polar, at codon 692 of the ANK2 protein (p.Thr692Ala). This variant is present in population databases (rs761413864, gnomAD 0.007%). ClinVar contains an entry for this variant (Variation ID: 190595). Advanced modeling of protein sequence and biophysical properties (such as structural, functional, and spatial information, amino acid conservation, physicochemical variation, residue mobility, and thermodynamic stability) performed at Invitae indicates that this missense variant is not expected to disrupt ANK2 protein function. In summary, the available evidence is currently insufficient to determine the role of this variant in disease. Therefore, it has been classified as a Variant of Uncertain Significance.

Mendelics
Classification: Uncertain significance. Last evaluated: 2022-05-04. Review status: criteria provided, single submitter. Criteria: Mendelics Assertion Criteria 2019. Collection method: clinical testing. Allele origin: germline.

Fulgent Genetics
Classification: Uncertain significance for Cardiac arrhythmia, ankyrin-B-related. Last evaluated: 2021-09-21. Review status: criteria provided, single submitter. Criteria: ACMG Guidelines, 2015. Collection method: clinical testing. Allele origin: unknown.

Breakthrough Genomics
Classification: Uncertain significance. Review status: criteria provided, single submitter. Criteria: ACMG Guidelines, 2015. Collection method: not provided. Allele origin: germline. Inheritance: Autosomal dominant inheritance. Affected: yes.

NM_001148.6(ANK2):c.2074A>G (p.Thr692Ala)

Gene: ANK2 (ankyrin 2; plus strand). Cytogenetic location: 4q26.
Variant type: single nucleotide variant.
Coding change: c.2074A>G on transcript NM_001148.6 (MANE Select); coding-DNA position 2074, A replaced by G.
Protein change: p.Thr692Ala; replaces threonine 692 with alanine.
Molecular consequence: missense variant.
Genome position (GRCh38, 1-based): chr4:113,282,867, A>G. VCF-style: chr4-113282867-A-G. GRCh37 (hg19) VCF-style: chr4-114204023-A-G.
Other names: p.T692A:ACT>GCT; c.1975A>G, p.Thr659Ala (NM_001354245.2, NM_001354268.2); c.2074A>G, p.Thr692Ala (NM_001354246.2, NM_001354258.2, NM_001354225.2 and 6 more transcripts); c.1987A>G, p.Thr663Ala (NM_001354249.2, NM_001354274.2, NM_001354276.2 and 10 more transcripts); c.2011A>G, p.Thr671Ala (NM_001354252.2, NM_001354254.2, NM_001354255.2 and 10 more transcripts); c.1912A>G, p.Thr638Ala (NM_001354253.2, NM_001354257.2, NM_001354270.2 and 1 more transcripts); c.1888A>G, p.Thr630Ala (NM_001354271.2, NM_001354260.2, NM_001386151.1); c.1876A>G, p.Thr626Ala (NM_001354273.2); and 9 more; short protein forms T671A, T692A, T630A, T707A, T626A, T663A, T678A, T597A.
Identifiers: ClinVar variation 190595 (VCV000190595.14), dbSNP rs761413864, ClinGen allele CA301021.